The following is an entry in ClinVar:

ClinVar aggregate classification (germline): Pathogenic/Likely pathogenic. Review status: criteria provided, multiple submitters, no conflicts (2 of 4 stars). 5 submissions from 5 submitters: Pathogenic (3); Likely pathogenic (2). Last evaluated 2024-04-27.

Conditions:
Hereditary spastic paraplegia 7 (SPG7). Also called: Spastic paraplegia 7; Hereditary spastic paraplegia Paraplegin type; SPG7-related neurologic disorder; Autosomal recessive spastic paraplegia type 7; SPASTIC PARAPLEGIA 7, AUTOSOMAL RECESSIVE, WITH OR WITHOUT CEREBELLAR ATAXIA. Identifiers: Orphanet 99013, MedGen C1846564, MONDO:0011803, OMIM 607259.
Hereditary spastic paraplegia. Also called: Familial spastic paraparesis. Identifiers: Orphanet 685, MedGen C0037773, MONDO:0019064. Disease mechanism: loss of function.

Allele frequency attached by ClinVar (database versions not stated): gnomAD exomes below 0.00001 and 0.00001; ExAC 0.00002; gnomAD 0.00004 and 0.00005; TOPMed 0.00005; 1000 Genomes Project 30x 0.00016; 1000 Genomes Project 0.00020.
gnomAD v4.1: 13 of 1,613,994 alleles (0.00081%); highest among the groups gnomAD compares: African/African-American, 0.0093%; no homozygotes.

Submissions (5):

Fulgent Genetics
Classification: Likely pathogenic for Hereditary spastic paraplegia 7. Last evaluated: 2024-04-27. Review status: criteria provided, single submitter. Criteria: ACMG Guidelines, 2015. Collection method: clinical testing. Allele origin: germline.

Labcorp Genetics (formerly Invitae), Labcorp
Classification: Pathogenic for Hereditary spastic paraplegia 7. Last evaluated: 2024-02-24. Review status: criteria provided, single submitter. Criteria: Invitae Variant Classification Sherloc (09022015). Collection method: clinical testing. Allele origin: germline.
Comment: This sequence change creates a premature translational stop signal (p.Gln483*) in the SPG7 gene. It is expected to result in an absent or disrupted protein product. Loss-of-function variants in SPG7 are known to be pathogenic (PMID: 21623769, 22964162). This variant is present in population databases (rs562890289, gnomAD 0.02%). This premature translational stop signal has been observed in individual(s) with clinical features of SPG7-related conditions (PMID: 28832565, 33841295). ClinVar contains an entry for this variant (Variation ID: 390378). Algorithms developed to predict the effect of sequence changes on RNA splicing suggest that this variant may disrupt the consensus splice site. For these reasons, this variant has been classified as Pathogenic.

Women's Health and Genetics/Laboratory Corporation of America, LabCorp
Classification: Pathogenic for Hereditary spastic paraplegia 7. Last evaluated: 2023-06-13. Review status: criteria provided, single submitter. Criteria: LabCorp Variant Classification Summary - May 2015. Collection method: clinical testing. Allele origin: germline.
Comment: Variant summary: SPG7 c.1447C>T (p.Gln483X) results in a premature termination codon, predicted to cause an absence of the protein due to nonsense mediated decay, a commonly known mechanism for disease. The variant allele was found at a frequency of 1.2e-05 in 251214 control chromosomes (gnomAD). c.1447C>T has been reported in the literature in individuals affected with Hereditary Spastic Paraplegia 7 (e.g. Morais_2017). These data indicate that the variant is likely to be associated with disease. To our knowledge, no experimental evidence demonstrating an impact on protein function has been reported. The following publication has been ascertained in the context of this evaluation (PMID: 28832565). Three submitters have provided clinical-significance assessments for this variant to ClinVar after 2014 and all classified the variant as pathogenic (n=2)/likely pathogenic (n=1). Based on the evidence outlined above, the variant was classified as pathogenic.

Unit for Genetic & Epidemiological Research on Neurological Disorders, Instituto de Investigação e Inovação em Saúde
Classification: Pathogenic for Hereditary spastic paraplegia. Last evaluated: 2017-03-07. Review status: criteria provided, single submitter. Criteria: Morais et al. (Eur J Hum Genet. 2017). Collection method: research. Allele origin: inherited. Affected: yes.

GeneDx
Classification: Likely pathogenic. Last evaluated: 2016-11-01. Review status: criteria provided, single submitter. Criteria: GeneDx Variant Classification (06012015). Collection method: clinical testing. Allele origin: germline. Affected: yes.
Comment: The Q483X variant in the SPG7 gene has not been reported previously as a pathogenic variant nor as a benign variant, to our knowledge. This variant is predicted to cause loss of normal protein function either through protein truncation or nonsense-mediated mRNA decay. The Q483X variant was not observed in approximately 6500 individuals of European and African American ancestry in the NHLBI Exome Sequencing Project, indicating it is not a common benign variant in these populations. We interpret Q483X as a likely pathogenic variant.

Literature cited by the submitters: PubMed 21623769 (cited by Labcorp Genetics (formerly Invitae), Labcorp); PubMed 22964162 (cited by Labcorp Genetics (formerly Invitae), Labcorp); PubMed 28832565 (cited by Labcorp Genetics (formerly Invitae), Labcorp and Women's Health and Genetics/Laboratory Corporation of America, LabCorp); PubMed 33841295 (cited by Labcorp Genetics (formerly Invitae), Labcorp).

NM_003119.4(SPG7):c.1447C>T (p.Gln483Ter)

Gene: SPG7 (SPG7 matrix AAA peptidase subunit, paraplegin; plus strand). Cytogenetic location: 16q24.3.
Variant type: single nucleotide variant.
Coding change: c.1447C>T on transcript NM_003119.4 (MANE Select); coding-DNA position 1447, C replaced by T.
Protein change: p.Gln483Ter; replaces glutamine 483 with a stop codon.
Molecular consequence: nonsense.
Genome position (GRCh38, 1-based): chr16:89,544,770, C>T. VCF-style: chr16-89544770-C-T. GRCh37 (hg19) VCF-style: chr16-89611178-C-T.
Other names: c.1447C>T, p.Gln483Ter (NM_001363850.1); c.1447C>T (NM_003119.3); short protein forms Q483*.
Identifiers: ClinVar variation 390378 (VCV000390378.9), dbSNP rs562890289, ClinGen allele CA8244174.